The following is an entry in ClinVar:

ClinVar aggregate classification (germline): Benign/Likely benign. Review status: criteria provided, multiple submitters, no conflicts (2 of 4 stars). 9 submissions from 9 submitters: Benign (6); Likely benign (1). 2 of the submissions do not count toward it. Last evaluated 2026-02-04.

Conditions:
Cutis laxa with severe pulmonary, gastrointestinal and urinary anomalies. Also called: URBAN-RIFKIN-DAVIS SYNDROME; Cutis laxa, autosomal recessive, type IC; LTBP4-Related Cutis Laxa. Identifiers: Orphanet 221145, MedGen C2750804, MONDO:0013170, OMIM 613177. Disease mechanism: loss of function.

Allele frequency attached by ClinVar (database versions not stated): gnomAD exomes 0.42238 and 0.43961; ExAC 0.45898; TOPMed 0.46252; ESP Exome Variant Server 0.46740; gnomAD 0.47266 and 0.47291; 1000 Genomes Project 30x 0.49250; 1000 Genomes Project 0.49501.
gnomAD v4.1: 689,624 of 1,610,370 alleles (43%); highest among the groups gnomAD compares: African/African-American, 58%; 151,226 homozygotes.

Submissions (9):

Labcorp Genetics (formerly Invitae), Labcorp
Classification: Benign. Last evaluated: 2026-02-04. Review status: criteria provided, single submitter. Criteria: Invitae Variant Classification Sherloc (09022015). Collection method: clinical testing. Allele origin: germline.

Blueprint Genetics
Classification: Likely benign. Last evaluated: 2024-11-28. Review status: criteria provided, single submitter. Criteria: ACMG Guidelines, 2015. Collection method: clinical testing. Allele origin: germline.

Genome-Nilou Lab
Classification: Benign for Cutis laxa with severe pulmonary, gastrointestinal and urinary anomalies. Last evaluated: 2021-09-05. Review status: criteria provided, single submitter. Criteria: ACMG Guidelines, 2015. Collection method: clinical testing. Allele origin: germline. Affected: no.

Illumina Laboratory Services, Illumina
Classification: Benign for Cutis laxa with severe pulmonary, gastrointestinal and urinary anomalies. Last evaluated: 2018-01-13. Review status: criteria provided, single submitter. Criteria: ICSL Variant Classification Criteria 13 December 2019. Collection method: clinical testing. Allele origin: germline.
Comment: This variant was observed in the ICSL laboratory as part of a predisposition screen in an ostensibly healthy population. It had not been previously curated by ICSL or reported in the Human Gene Mutation Database (HGMD: prior to June 1st, 2018), and was therefore a candidate for classification through an automated scoring system. Utilizing variant allele frequency, disease prevalence and penetrance estimates, and inheritance mode, an automated score was calculated to assess if this variant is too frequent to cause the disease. Based on the score and internal cut-off values, a variant classified as benign is not then subjected to further curation. The score for this variant resulted in a classification of benign for this disease.

GeneDx
Classification: Benign. Last evaluated: 2016-09-29. Review status: criteria provided, single submitter. Criteria: GeneDx Variant Classification (06012015). Collection method: clinical testing. Allele origin: germline. Affected: yes.
Comment: This variant is considered likely benign or benign based on one or more of the following criteria: it is a conservative change, it occurs at a poorly conserved position in the protein, it is predicted to be benign by multiple in silico algorithms, and/or has population frequency not consistent with disease.

Laboratory for Molecular Medicine, Mass General Brigham Personalized Medicine
Classification: Benign. Last evaluated: 2013-02-21. Review status: criteria provided, single submitter. Criteria: LMM Criteria. Collection method: clinical testing. Allele origin: germline. Observed: 57 variant alleles.
Comment: Thr820Ala in exon 18 of LTBP4: This variant is not expected to have clinical sig nificance because it has been identified in 43.2% (1798/4158) of African America n chromosomes from a broad population by the NHLBI Exome Sequencing Project (dbSNP rs1051303).

Breakthrough Genomics
Classification: Benign. Review status: criteria provided, single submitter. Criteria: ACMG Guidelines, 2015. Collection method: not provided. Allele origin: germline. Inheritance: Autosomal recessive inheritance. Affected: yes.

Genome Diagnostics Laboratory, Amsterdam University Medical Center
Classification: Benign for Cutis laxa with severe pulmonary, gastrointestinal and urinary anomalies. Last evaluated: 2014-12-01. Review status: no assertion criteria provided. Criteria: ACGS Guidelines, 2013. Collection method: clinical testing. Allele origin: germline. Affected: yes. Study: VKGL Data-share Consensus. Not counted in ClinVar's aggregate classification.

Diagnostic Laboratory, Department of Genetics, University Medical Center Groningen
Classification: Benign for Cutis laxa with severe pulmonary, gastrointestinal and urinary anomalies. Review status: no assertion criteria provided. Collection method: clinical testing. Allele origin: germline. Affected: yes. Study: VKGL Data-share Consensus. Not counted in ClinVar's aggregate classification.

NM_001042545.2(LTBP4):c.2257A>G (p.Thr753Ala)

Gene: LTBP4 (latent transforming growth factor beta binding protein 4; plus strand). Cytogenetic location: 19q13.2.
Variant type: single nucleotide variant.
Coding change: c.2257A>G on transcript NM_001042545.2 (MANE Select); coding-DNA position 2257, A replaced by G.
Protein change: p.Thr753Ala; replaces threonine 753 with alanine.
Molecular consequence: missense variant.
Genome position (GRCh38, 1-based): chr19:40,612,150, A>G. VCF-style: chr19-40612150-A-G. GRCh37 (hg19) VCF-style: chr19-41118056-A-G.
Other names: c.2458A>G, p.Thr820Ala (NM_001042544.1); c.2347A>G, p.Thr783Ala (NM_003573.2); short protein forms T753A, T783A, T820A.
Identifiers: ClinVar variation 178781 (VCV000178781.22), dbSNP rs1051303, ClinGen allele CA183023.